The following is an entry in ClinVar:

NM_016373.4(WWOX):c.1038G>T (p.Arg346Ser)

Gene: WWOX (WW domain containing oxidoreductase; plus strand). Cytogenetic location: 16q23.1.
Variant type: single nucleotide variant.
Coding change: c.1038G>T on transcript NM_016373.4 (MANE Select); coding-DNA position 1038, G replaced by T.
Protein change: p.Arg346Ser; replaces arginine 346 with serine.
Molecular consequence: missense variant.
Genome position (GRCh38, 1-based): chr16:78,432,734, G>T. VCF-style: chr16-78432734-G-T. GRCh37 (hg19) VCF-style: chr16-78466631-G-T.
Other names: c.699G>T, p.Arg233Ser (NM_001291997.2); c.1038G>T (NM_016373.2); short protein forms R233S, R346S.
Identifiers: ClinVar variation 664870 (VCV000664870.30), dbSNP rs781040616, ClinGen allele CA8183610.
Genomic context (GRCh38, chr16:78,432,734, plus strand): 5'-GATGTACTCCAACATTCATCGCAGCTGGTGGGTGTACACACTGCTGTTTACCTTGGCGAG[G>T]CCTTTCACCAAGTCCATGGTAAGAGAACAGCTTCTGGCGCCGCAAACACCTTGGGTCCTA-3'
Protein context (NP_057457.1, residues 336-356): WVYTLLFTLA[Arg346Ser]PFTKSMQQGA

ClinVar aggregate classification (germline): Uncertain significance. Review status: criteria provided, multiple submitters, no conflicts (2 of 4 stars). 3 submissions from 3 submitters: Uncertain significance (3). Last evaluated 2024-10-23.

Conditions:
Autosomal recessive spinocerebellar ataxia 12. Also called: SPINOCEREBELLAR ATAXIA WITH MENTAL RETARDATION AND EPILEPSY. Identifiers: Orphanet 284282, MedGen C3280452, MONDO:0013687, OMIM 614322.
Developmental and epileptic encephalopathy, 1 (DEE1). Also called: X-linked infantile spasms; West's syndrome; Tonic spasms with clustering, arrest of psychomotor development and hypsarrhythmia on EEG; X-Linked Infantile Spasm Syndrome; INFANTILE SPASM SYNDROME, X-LINKED 1; Epileptic encephalopathy, early infantile, 1. Identifiers: MedGen C3463992, MONDO:0010632, OMIM 308350. Disease mechanism: loss of function.
Inborn genetic diseases. Identifiers: MedGen C0950123, MeSH D030342.

Allele frequency attached by ClinVar (database versions not stated): gnomAD 0.00001; ExAC 0.00002.
gnomAD v4.1: 14 of 1,614,040 alleles (0.00087%); highest among the groups gnomAD compares: Admixed American, 0.0017%; no homozygotes.

Submissions (3):

Ambry Genetics
Classification: Uncertain significance for Inborn genetic diseases. Last evaluated: 2024-10-23. Review status: criteria provided, single submitter. Criteria: Ambry Variant Classification Scheme 2023. Collection method: clinical testing. Allele origin: germline.

CeGaT Center for Human Genetics Tuebingen
Classification: Uncertain significance. Last evaluated: 2024-04-01. Review status: criteria provided, single submitter. Criteria: CeGaT Center For Human Genetics Tuebingen Variant Classification Criteria Version 2. Collection method: clinical testing. Allele origin: germline. Affected: yes. Observed: 1 variant allele.
Comment: WWOX: PM2

Labcorp Genetics (formerly Invitae), Labcorp
Classification: Uncertain significance for Developmental and epileptic encephalopathy, 1; Autosomal recessive spinocerebellar ataxia 12. Last evaluated: 2022-08-09. Review status: criteria provided, single submitter. Criteria: Invitae Variant Classification Sherloc (09022015). Collection method: clinical testing. Allele origin: germline.
Comment: ClinVar contains an entry for this variant (Variation ID: 664870). This variant has not been reported in the literature in individuals affected with WWOX-related conditions. This variant is present in population databases (rs781040616, gnomAD 0.003%). This sequence change replaces arginine, which is basic and polar, with serine, which is neutral and polar, at codon 346 of the WWOX protein (p.Arg346Ser). In summary, the available evidence is currently insufficient to determine the role of this variant in disease. Therefore, it has been classified as a Variant of Uncertain Significance. Algorithms developed to predict the effect of missense changes on protein structure and function are either unavailable or do not agree on the potential impact of this missense change (SIFT: "Not Available"; PolyPhen-2: "Benign"; Align-GVGD: "Not Available").